The following is an entry in ClinVar:

NM_002294.3(LAMP2):c.340G>A (p.Val114Ile)

Gene: LAMP2 (lysosome associated membrane protein 2; minus strand). Cytogenetic location: Xq24.
Variant type: single nucleotide variant.
Coding change: c.340G>A on transcript NM_002294.3 (MANE Select); coding-DNA position 340, G replaced by A.
Protein change: p.Val114Ile; replaces valine 114 with isoleucine.
Molecular consequence: missense variant.
Genome position (GRCh38, 1-based): chrX:120,455,414, C>T on the plus strand (G>A on the coding strand, the complement: LAMP2 is on the minus strand). VCF-style: chrX-120455414-C-T. GRCh37 (hg19) VCF-style: chrX-119589269-C-T.
Other names: p.V114I:GTC>ATC; c.340G>A, p.Val114Ile (NM_001122606.1, NM_013995.2); short protein forms V114I.
Identifiers: ClinVar variation 180863 (VCV000180863.42), dbSNP rs377652722, ClinGen allele CA333610.

ClinVar aggregate classification (germline): Conflicting classifications of pathogenicity. Review status: criteria provided, conflicting classifications (1 of 4 stars). 4 submissions from 4 submitters: Uncertain significance (2); Likely benign (2). Last evaluated 2024-08-28.

Conditions:
Cardiovascular phenotype. Identifiers: MedGen CN230736.
Danon disease. Also called: ANTOPOL DISEASE; Glycogen Storage Disease Type IIb; PSEUDOGLYCOGENOSIS II; GSD IIb; LYSOSOMAL GLYCOGEN STORAGE DISEASE WITHOUT ACID MALTASE DEFICIENCY. Identifiers: Orphanet 34587, MedGen C0878677, MONDO:0010281, OMIM 300257.

Allele frequency attached by ClinVar (database versions not stated): ESP Exome Variant Server 0.00009; gnomAD exomes 0.00001 and 0.00002; TOPMed 0.00001; ExAC 0.00002.
gnomAD v4.1: 11 of 1,210,395 alleles (0.00091%); highest among the groups gnomAD compares: South Asian, 0.007%; no homozygotes.

Submissions (4):

Labcorp Genetics (formerly Invitae), Labcorp
Classification: Uncertain significance for Danon disease. Last evaluated: 2024-08-28. Review status: criteria provided, single submitter. Criteria: Invitae Variant Classification Sherloc (09022015). Collection method: clinical testing. Allele origin: germline.
Comment: This sequence change replaces valine, which is neutral and non-polar, with isoleucine, which is neutral and non-polar, at codon 114 of the LAMP2 protein (p.Val114Ile). This variant is present in population databases (rs377652722, gnomAD 0.01%), including at least one homozygous and/or hemizygous individual. This variant has not been reported in the literature in individuals affected with LAMP2-related conditions. ClinVar contains an entry for this variant (Variation ID: 180863). Invitae Evidence Modeling of protein sequence and biophysical properties (such as structural, functional, and spatial information, amino acid conservation, physicochemical variation, residue mobility, and thermodynamic stability) indicates that this missense variant is not expected to disrupt LAMP2 protein function with a negative predictive value of 80%. In summary, the available evidence is currently insufficient to determine the role of this variant in disease. Therefore, it has been classified as a Variant of Uncertain Significance.

GeneDx
Classification: Uncertain significance. Last evaluated: 2024-04-23. Review status: criteria provided, single submitter. Criteria: GeneDx Variant Classification Process June 2021. Collection method: clinical testing. Allele origin: germline. Affected: yes.
Comment: In silico analysis indicates that this missense variant does not alter protein structure/function; Has not been previously published as pathogenic or benign to our knowledge

Ambry Genetics
Classification: Likely benign for Cardiovascular phenotype. Last evaluated: 2021-07-06. Review status: criteria provided, single submitter. Criteria: Ambry Variant Classification Scheme 2023. Collection method: clinical testing. Allele origin: germline.

CeGaT Center for Human Genetics Tuebingen
Classification: Likely benign. Last evaluated: 2021-05-01. Review status: criteria provided, single submitter. Criteria: CeGaT Center For Human Genetics Tuebingen Variant Classification Criteria Version 2. Collection method: clinical testing. Allele origin: germline. Affected: yes. Observed: 1 variant allele.